The following is an entry in ClinVar:

NM_005912.3(MC4R):c.935C>T (p.Thr312Ile)

Gene: MC4R (melanocortin 4 receptor; minus strand). Cytogenetic location: 18q21.32.
Variant type: single nucleotide variant.
Coding change: c.935C>T on transcript NM_005912.3 (MANE Select); coding-DNA position 935, C replaced by T.
Protein change: p.Thr312Ile; replaces threonine 312 with isoleucine.
Molecular consequence: missense variant.
Genome position (GRCh38, 1-based): chr18:60,371,415, G>A on the plus strand (C>T on the coding strand, the complement: MC4R is on the minus strand). VCF-style: chr18-60371415-G-A. GRCh37 (hg19) VCF-style: chr18-58038648-G-A.
Other names: short protein forms T312I.
Identifiers: ClinVar variation 4998350 (VCV004998350.1).

ClinVar aggregate classification (germline): Uncertain significance (1 of 4 stars; one submission).

Conditions:
MC4R-related disorder. Also called: MC4R-related condition.

Submission:

PreventionGenetics, part of Exact Sciences
Classification: Uncertain significance for MC4R-related condition. Last evaluated: 2025-02-11. Review status: criteria provided, single submitter. Criteria: ACMG Guidelines, 2015. Collection method: clinical testing. Allele origin: germline.
Comment: The MC4R c.935C>T variant is predicted to result in the amino acid substitution p.Thr312Ile. To our knowledge, this variant has not been reported in the literature or in a large population database (gnomAD), indicating this variant is rare. At this time, the clinical significance of this variant is uncertain due to the absence of conclusive functional and genetic evidence.